The following is an entry in ClinVar:

NM_002900.3(RBP3):c.3026A>T (p.Asp1009Val)

Gene: RBP3 (retinol binding protein 3; plus strand). Cytogenetic location: 10q11.22.
Variant type: single nucleotide variant.
Coding change: c.3026A>T on transcript NM_002900.3 (MANE Select); coding-DNA position 3026, A replaced by T.
Protein change: p.Asp1009Val; replaces aspartic acid 1009 with valine.
Molecular consequence: missense variant.
Genome position (GRCh38, 1-based): chr10:47,351,510, A>T. VCF-style: chr10-47351510-A-T. GRCh37 (hg19) VCF-style: chr10-48387852-T-A.
Other names: short protein forms D1009V.
Identifiers: ClinVar variation 1026387 (VCV001026387.8), dbSNP rs781946449, ClinGen allele CA5487157.

ClinVar aggregate classification (germline): Uncertain significance. Review status: criteria provided, multiple submitters, no conflicts (2 of 4 stars). 3 submissions from 3 submitters: Uncertain significance (2). 1 of the submissions does not count toward it. Last evaluated 2024-09-03.

Conditions:
Retinal dystrophy. Also called: Inherited retinal dystrophy. Identifiers: Orphanet 71862, MedGen C0854723, MeSH D058499, MONDO:0019118, HP:0000556.

Allele frequency attached by ClinVar (database versions not stated): gnomAD 0.00002; gnomAD exomes 0.00003 and 0.00004; ExAC 0.00005; TOPMed 0.00006.

Submissions (3):

Blueprint Genetics
Classification: Uncertain significance. Last evaluated: 2024-09-03. Review status: criteria provided, single submitter. Criteria: ACMG Guidelines, 2015. Collection method: clinical testing. Allele origin: germline.

Labcorp Genetics (formerly Invitae), Labcorp
Classification: Uncertain significance. Last evaluated: 2022-06-27. Review status: criteria provided, single submitter. Criteria: Invitae Variant Classification Sherloc (09022015). Collection method: clinical testing. Allele origin: germline.
Comment: This sequence change replaces aspartic acid, which is acidic and polar, with valine, which is neutral and non-polar, at codon 1009 of the RBP3 protein (p.Asp1009Val). This variant is present in population databases (rs781946449, gnomAD 0.008%). This missense change has been observed in individual(s) with RBP3-related conditions (PMID: 21067480). ClinVar contains an entry for this variant (Variation ID: 1026387). Algorithms developed to predict the effect of missense changes on protein structure and function are either unavailable or do not agree on the potential impact of this missense change (SIFT: "Deleterious"; PolyPhen-2: "Possibly Damaging"; Align-GVGD: "Class C0"). Algorithms developed to predict the effect of sequence changes on RNA splicing suggest that this variant may create or strengthen a splice site. In summary, the available evidence is currently insufficient to determine the role of this variant in disease. Therefore, it has been classified as a Variant of Uncertain Significance.

Institute of Human Genetics, Univ. Regensburg, Univ. Regensburg
Classification: Uncertain significance for Retinal dystrophy. Last evaluated: 2022-01-01. Review status: no assertion criteria provided. Criteria: ACMG Guidelines, 2015. Collection method: clinical testing. Allele origin: germline. Affected: yes. Not counted in ClinVar's aggregate classification.

Literature cited by the submitters: PubMed 21067480 (cited by Labcorp Genetics (formerly Invitae), Labcorp).